The following is an entry in ClinVar:

ClinVar aggregate classification (germline): Conflicting classifications of pathogenicity. Review status: criteria provided, conflicting classifications (1 of 4 stars). 3 submissions from 3 submitters: Likely pathogenic (1); Uncertain significance (2). Last evaluated 2026-07-01.

Conditions:
Glycogen storage disease, type II (IOPD). Also called: CARDIOMEGALIA GLYCOGENICA DIFFUSA; GLYCOGENOSIS, GENERALIZED, CARDIAC FORM; GSD II; Glycogen storage disease type 2; Acid maltase deficiency disease; Aglucosidase alfa. Identifiers: Orphanet 365, MedGen C0017921, MONDO:0009290, OMIM 232300.

Allele frequency attached by ClinVar (database versions not stated): gnomAD exomes below 0.00001.
gnomAD v4.1: 1 of 1,613,970 alleles (0.000062%); highest among the groups gnomAD compares: South Asian, 0.0011%; no homozygotes.

Submissions (3):

Genomenon, Inc
Classification: Uncertain significance for Glycogen storage disease, type II. Last evaluated: 2026-07-01. Review status: criteria provided, single submitter. Criteria: Genomenon Sequence Variant Interpretation Standards - Updated. Collection method: curation. Allele origin: germline. Affected: yes.
Comment: GAA p.Cys558Tyr (c.1673G>A) is a missense variant that changes the amino acid at codon 558 from Cysteine to Tyrosine. This variant has been observed in at least one proband with a GAA-related disorder (PMID:40225932). The presence of pathogenic/likely pathogenic missense variant(s) at the same amino acid position indicates that this residue is likely important for protein function. It is absent or not present at a significant frequency in gnomAD. In silico models predict that this variant is possibly or probably damaging. In conclusion, we classify GAA p.Cys558Tyr (c.1673G>A) as a variant of uncertain significance.

Women's Health and Genetics/Laboratory Corporation of America, LabCorp
Classification: Uncertain significance. Last evaluated: 2025-04-02. Review status: criteria provided, single submitter. Criteria: LabCorp Variant Classification Summary - May 2015. Collection method: clinical testing. Allele origin: germline.
Comment: Variant summary: GAA c.1673G>A (p.Cys558Tyr) results in a non-conservative amino acid change in the encoded protein sequence. Five of five in-silico tools predict a damaging effect of the variant on protein function. The variant was absent in 251182 control chromosomes. The available data on variant occurrences in the general population are insufficient to allow any conclusion about variant significance. c.1673G>A has been reported in the literature in at least one compound heterozygous individual affected with Glycogen Storage Disease, Type 2 (Pompe Disease) (e.g., Balendran-Braun_2024). These data do not allow any conclusion about variant significance. To our knowledge, no experimental evidence demonstrating an impact on protein function has been reported. ClinVar contains an entry for this variant (Variation ID: 2502894). Based on the evidence outlined above, the variant was classified as uncertain significance.

Foundation for Research in Genetics and Endocrinology, FRIGE's Institute of Human Genetics
Classification: Likely pathogenic for Glycogen storage disease, type II. Last evaluated: 2023-05-25. Review status: criteria provided, single submitter. Criteria: ACMG Guidelines, 2015. Collection method: clinical testing. Allele origin: germline. Inheritance: Autosomal recessive inheritance. Affected: yes. Observed: 1 heterozygote.
Comment: A Heterozygous variation in exon 12 of the GAA gene that results in the amino acid substitution of Tyrosine for Cysteine at codon 558 was detected. The observed variant c.1673G>A (p.Cys558Tyr) has not been reported in the 1000 genomes database. The in silico prediction of the variant are possibly damaging by PolyPhen-2, SIFT, CADD and MutationTaster. In summary, the variant meets our criteria to be classified as likely pathogenic.

Literature cited by the submitters: PubMed 40225932 (cited by Genomenon, Inc).

NM_000152.5(GAA):c.1673G>A (p.Cys558Tyr)

Gene: GAA (alpha glucosidase; plus strand). Cytogenetic location: 17q25.3.
Variant type: single nucleotide variant.
Coding change: c.1673G>A on transcript NM_000152.5 (MANE Select); coding-DNA position 1673, G replaced by A.
Protein change: p.Cys558Tyr; replaces cysteine 558 with tyrosine.
Molecular consequence: missense variant.
Genome position (GRCh38, 1-based): chr17:80,112,019, G>A. VCF-style: chr17-80112019-G-A. GRCh37 (hg19) VCF-style: chr17-78085818-G-A.
Other names: p.Cys558Tyr; c.1673G>A, p.Cys558Tyr (NM_001079803.3, NM_001079804.3, NM_001406741.1 and 1 more transcripts); short protein forms C558Y.
Identifiers: ClinVar variation 2502894 (VCV002502894.5), dbSNP rs2510378592, ClinGen allele CA401368933.